The following is an entry in ClinVar:

NM_144670.6(A2ML1):c.3536C>T (p.Pro1179Leu)

Gene: A2ML1 (alpha-2-macroglobulin like 1; plus strand). Cytogenetic location: 12p13.31.
Variant type: single nucleotide variant.
Coding change: c.3536C>T on transcript NM_144670.6 (MANE Select); coding-DNA position 3536, C replaced by T.
Protein change: p.Pro1179Leu; replaces proline 1179 with leucine.
Molecular consequence: missense variant.
Genome position (GRCh38, 1-based): chr12:8,863,827, C>T. VCF-style: chr12-8863827-C-T. GRCh37 (hg19) VCF-style: chr12-9016423-C-T.
Other names: c.2063C>T, p.Pro688Leu (NM_001282424.3); short protein forms P1179L, P688L.
Identifiers: ClinVar variation 3512732 (VCV003512732.1).

ClinVar aggregate classification (germline): Uncertain significance (1 of 4 stars; one submission).

gnomAD v4.1: 7 of 1,614,226 alleles (0.00043%); highest among the groups gnomAD compares: Non-Finnish European, 0.00059%; no homozygotes.

Submission:

Ambry Genetics
Classification: Uncertain significance. Last evaluated: 2024-07-07. Review status: criteria provided, single submitter. Criteria: Ambry Variant Classification Scheme 2023. Collection method: clinical testing. Allele origin: germline.
Comment: The p.P1179L variant (also known as c.3536C>T), located in coding exon 29 of the A2ML1 gene, results from a C to T substitution at nucleotide position 3536. The proline at codon 1179 is replaced by leucine, an amino acid with similar properties. This amino acid position is conserved. In addition, this alteration is predicted to be tolerated by in silico analysis. Based on the available evidence, the clinical significance of this variant remains unclear.